The following is an entry in ClinVar:

ClinVar aggregate classification (germline): Uncertain significance (1 of 4 stars; one submission).

Conditions:
BCS1L-related disorder. Also called: BCS1L-related disorders; BCS1L-related condition. Identifiers: MedGen CN239240.

Submission:

Myriad Genetics, Inc.
Classification: Uncertain significance for BCS1L-related disorder. Last evaluated: 2026-02-19. Review status: criteria provided, single submitter. Criteria: Myriad Autosomal Dominant, Autosomal Recessive and X-Linked Classification Criteria (2023). Collection method: clinical testing. Allele origin: unknown.
Comment: NM_004328.4(BCS1L):c.784_786delTCT(S262del) is an in-frame deletion classified as a variant of uncertain significance in the context of BCS1L-related disorders. S262del has not been observed in cases with relevant disease. Relevant functional assessments of this variant are not available in the literature. S262del has not been observed in referenced population frequency databases. In summary, there is insufficient evidence to classify NM_004328.4(BCS1L):c.784_786delTCT(S262del) as pathogenic or benign. Please note: this variant was assessed in the context of healthy population screening.

NM_001079866.2(BCS1L):c.784_786del (p.Ser262del)

Gene: BCS1L (BCS1 ubiquinol-cytochrome c reductase complex chaperone; plus strand). Cytogenetic location: 2q35.
Variant type: Deletion.
Coding change: c.784_786del on transcript NM_001079866.2 (MANE Select); coding-DNA positions 784 to 786, 3 bases deleted (TCT; older notation c.784_786delTCT).
Protein change: p.Ser262del; deletes serine 262.
Molecular consequence: inframe deletion. On other transcripts: non-coding transcript variant (1).
Genome position (GRCh38, 1-based): chr2:218,662,574-218,662,576, TCT deleted. VCF-style (leftmost placement, unchanged base first): chr2-218662573-CTCT-C. GRCh37 (hg19) VCF-style: chr2-219527296-CTCT-C.
Other names: c.784_786del, p.Ser262del (NM_004328.5, NM_001257342.2, NM_001257343.2 and 10 more transcripts); c.424_426del, p.Ser142del (NM_001318836.2, NM_001371451.1); c.283_285del, p.Ser95del (NM_001371452.1, NM_001371453.1, NM_001371454.1 and 3 more transcripts); short protein forms S95del, S142del, S262del.
Identifiers: ClinVar variation 5003815 (VCV005003815.1).